The following is an entry in ClinVar:

ClinVar aggregate classification (germline): Uncertain significance. Review status: criteria provided, multiple submitters, no conflicts (2 of 4 stars). 2 submissions from 2 submitters: Uncertain significance (2). Last evaluated 2026-07-06.

Conditions:
Hereditary cancer-predisposing syndrome. Also called: Tumor predisposition; Hereditary Cancer Syndrome; Hereditary neoplastic syndrome; Neoplastic Syndromes, Hereditary. Identifiers: Orphanet 140162, MedGen C0027672, MeSH D009386, MONDO:0015356.

Submissions (2):

Ambry Genetics
Classification: Uncertain significance for Hereditary cancer-predisposing syndrome. Last evaluated: 2026-07-06. Review status: criteria provided, single submitter. Criteria: Ambry Variant Classification Scheme 2023. Collection method: clinical testing. Allele origin: germline.
Comment: The p.E659Q variant (also known as c.1975G>C), located in coding exon 13 of the CDH1 gene, results from a G to C substitution at nucleotide position 1975. The glutamic acid at codon 659 is replaced by glutamine, an amino acid with highly similar properties. This amino acid position is conserved. In addition, this alteration is predicted to be tolerated by in silico analysis. Based on the available evidence, the clinical significance of this variant remains unclear.

GeneDx
Classification: Uncertain significance. Last evaluated: 2024-02-20. Review status: criteria provided, single submitter. Criteria: GeneDx Variant Classification Process June 2021. Collection method: clinical testing. Allele origin: germline. Affected: yes.
Comment: Not observed at significant frequency in large population cohorts (gnomAD); In silico analysis supports that this missense variant does not alter protein structure/function; Has not been previously published as pathogenic or benign to our knowledge; This variant is associated with the following publications: (PMID: 15235021, 22850631)

NM_004360.5(CDH1):c.1975G>C (p.Glu659Gln)

Gene: CDH1 (cadherin 1; plus strand). Cytogenetic location: 16q22.1.
Variant type: single nucleotide variant.
Coding change: c.1975G>C on transcript NM_004360.5 (MANE Select); coding-DNA position 1975, G replaced by C.
Protein change: p.Glu659Gln; replaces glutamic acid 659 with glutamine.
Molecular consequence: missense variant.
Genome position (GRCh38, 1-based): chr16:68,823,437, G>C. VCF-style: chr16-68823437-G-C. GRCh37 (hg19) VCF-style: chr16-68857340-G-C.
Other names: c.1792G>C, p.Glu598Gln (NM_001317184.2); c.427G>C, p.Glu143Gln (NM_001317185.2); c.10G>C, p.Glu4Gln (NM_001317186.2); short protein forms E143Q, E4Q, E598Q, E659Q.
Identifiers: ClinVar variation 3369509 (VCV003369509.2).
Genomic context (GRCh38, chr16:68,823,437, plus strand): 5'-TTCTTTTTATTGCTTTCTCCAGCCCAAGAATCTATCATTTTGAAGCCAAAGATGGCCTTA[G>C]AGGTGGGTGACTACAAAATCAATCTCAAGCTCATGGATAACCAGAATAAAGACCAAGTGA-3'
Protein context (NP_004351.1, residues 649-669): SIILKPKMAL[Glu659Gln]VGDYKINLKL